The following is an entry in ClinVar:

NM_198578.4(LRRK2):c.230T>G (p.Val77Gly)

Gene: LRRK2 (leucine rich repeat kinase 2; plus strand). Cytogenetic location: 12q12.
Variant type: single nucleotide variant.
Coding change: c.230T>G on transcript NM_198578.4 (MANE Select); coding-DNA position 230, T replaced by G.
Protein change: p.Val77Gly; replaces valine 77 with glycine.
Molecular consequence: missense variant.
Genome position (GRCh38, 1-based): chr12:40,225,633, T>G. VCF-style: chr12-40225633-T-G. GRCh37 (hg19) VCF-style: chr12-40619435-T-G.
Other names: short protein forms V77G.
Identifiers: ClinVar variation 1789422 (VCV001789422.3), dbSNP rs2499336502, ClinGen allele CA384399488.
Genomic context (GRCh38, chr12:40,225,633, plus strand): 5'-GCAAAAATATCCATGTGCCTCTGTTGATCGTCTTGGACTCCTATATGAGAGTCGCGAGTG[T>G]GCAGCAGGTAAAGGCATTGTTTTCACTTCAACTCATTCTCCCTTCTGTTTGGAAGGAGAC-3'
Protein context (NP_940980.4, residues 67-87): VLDSYMRVAS[Val77Gly]QQVGWSLLCK

ClinVar aggregate classification (germline): Uncertain significance (1 of 4 stars; one submission).

Conditions:
Inborn genetic diseases. Identifiers: MedGen C0950123, MeSH D030342.

Allele frequency attached by ClinVar (database versions not stated): gnomAD exomes below 0.00001.
gnomAD v4.1: 1 of 1,613,356 alleles (0.000062%); highest among the groups gnomAD compares: Non-Finnish European, 0.000085%; no homozygotes.

Submission:

Ambry Genetics
Classification: Uncertain significance for Inborn genetic diseases. Last evaluated: 2024-08-28. Review status: criteria provided, single submitter. Criteria: Ambry Variant Classification Scheme 2023. Collection method: clinical testing. Allele origin: germline.
Comment: The p.V77G variant (also known as c.230T>G), located in coding exon 2 of the LRRK2 gene, results from a T to G substitution at nucleotide position 230. The valine at codon 77 is replaced by glycine, an amino acid with dissimilar properties. This amino acid position is conserved. In addition, this alteration is predicted to be deleterious by in silico analysis. Since supporting evidence is limited at this time, the clinical significance of this alteration remains unclear.